The following is an entry in ClinVar:

ClinVar aggregate classification (germline): Pathogenic/Likely pathogenic. Review status: criteria provided, multiple submitters, no conflicts (2 of 4 stars). 8 submissions from 7 submitters: Pathogenic (7); Likely pathogenic (1). Last evaluated 2025-11-13.

Conditions:
Leukoencephalopathy with vanishing white matter 1 (VWM1). Also called: Cree leukoencephalopathy; CHILDHOOD ATAXIA WITH CENTRAL NERVOUS SYSTEM HYPOMYELINIZATION; Vanishing white matter leukodystrophy; EIF2B1-Related Childhood Ataxia with Central Nervous System Hypomyelination/Vanishing White Matter. Identifiers: Orphanet 99854, MedGen C5779972, MONDO:0020507, OMIM 603896.
Vanishing white matter disease. Also called: Childhood ataxia with diffuse central nervous system hypomyelination; Leukoencephalopathy with vanishing white matter; CACH/VWM syndrome; Cree leukoencehalopathy; CACH syndrome. Identifiers: Orphanet 135, Orphanet 99853, MedGen C1858991, MONDO:0800448.
Leukoencephalopathy with vanishing white matter 5 (VWM5). Also called: Leukoencephalopathy with vanishing white matter 5, with or without ovarian failure; EIF2B5-Related Childhood Ataxia with Central Nervous System Hypomyelination/Vanishing White Matter. Identifiers: MedGen C5779973, MONDO:0957873, OMIM 620315.
Hereditary breast ovarian cancer syndrome. Also called: Hereditary breast and ovarian cancer syndrome; Hereditary breast and ovarian cancer; Hereditary breast and ovarian cancer syndrome (HBOC); Breast and ovarian cancer; BRCA1- and BRCA2-Associated Hereditary Breast and Ovarian Cancer; Hereditary breast and/or ovarian cancer syndrome. Identifiers: Orphanet 145, MedGen C0677776, MeSH D061325, MONDO:0003582. Disease mechanism: loss of function.

Allele frequency attached by ClinVar (database versions not stated): gnomAD exomes below 0.00001.
gnomAD v4.1: 4 of 1,613,686 alleles (0.00025%); highest among the groups gnomAD compares: Non-Finnish European, 0.00034%; no homozygotes.

Submissions (8):

Natera, Inc.
Classification: Pathogenic for Leukoencephalopathy with vanishing white matter. Last evaluated: 2025-11-13. Review status: criteria provided, single submitter. Criteria: Natera Variant Classification Schema (03/2026). Collection method: clinical testing. Allele origin: germline.
Comment: The c.806G>A variant in EIF2B5 is a missense variant predicted to cause substitution of arginine to glutamine at amino acid 269. This variant is rare in the general population with a frequency below the threshold expected for the associated phenotype(s). This variant has been observed in one or more individuals affected with the associated recessive disease, as either homozygous or compound heterozygous with a second variant (PMID: 25761052, 16864840). Given the available evidence, this variant is classified as Pathogenic.

Labcorp Genetics (formerly Invitae), Labcorp
Classification: Pathogenic. Last evaluated: 2024-03-13. Review status: criteria provided, single submitter. Criteria: Invitae Variant Classification Sherloc (09022015). Collection method: clinical testing. Allele origin: germline.
Comment: This sequence change replaces arginine, which is basic and polar, with glutamine, which is neutral and polar, at codon 269 of the EIF2B5 protein (p.Arg269Gln). This variant is present in population databases (rs113994057, gnomAD 0.0009%). This missense change has been observed in individuals with vanishing white matter disease (PMID: 16864840, 19158808, 27779215, 29933199). ClinVar contains an entry for this variant (Variation ID: 942204). Advanced modeling of protein sequence and biophysical properties (such as structural, functional, and spatial information, amino acid conservation, physicochemical variation, residue mobility, and thermodynamic stability) has been performed at Invitae for this missense variant, however the output from this modeling did not meet the statistical confidence thresholds required to predict the impact of this variant on EIF2B5 protein function. This variant disrupts the p.Arg269 amino acid residue in EIF2B5. Other variant(s) that disrupt this residue have been observed in individuals with EIF2B5-related conditions (PMID: 15136673, 15776425), which suggests that this may be a clinically significant amino acid residue. For these reasons, this variant has been classified as Pathogenic.

Fulgent Genetics
Classification: Pathogenic for Leukoencephalopathy with vanishing white matter 5. Last evaluated: 2024-03-11. Review status: criteria provided, single submitter. Criteria: ACMG Guidelines, 2015. Collection method: clinical testing. Allele origin: germline.

Women's Health and Genetics/Laboratory Corporation of America, LabCorp
Classification: Pathogenic for Hereditary breast ovarian cancer syndrome. Last evaluated: 2024-03-11. Review status: criteria provided, single submitter. Criteria: LabCorp Variant Classification Summary - May 2015. Collection method: clinical testing. Allele origin: germline.

Women's Health and Genetics/Laboratory Corporation of America, LabCorp
Classification: Pathogenic for Vanishing white matter disease. Last evaluated: 2024-03-11. Review status: criteria provided, single submitter. Criteria: LabCorp Variant Classification Summary - May 2015. Collection method: clinical testing. Allele origin: germline.
Comment: Variant summary: EIF2B5 c.806G>A (p.Arg269Gln) results in a conservative amino acid change in the encoded protein sequence. Four of five in-silico tools predict a damaging effect of the variant on protein function. The variant allele was found at a frequency of 4e-06 in 251456 control chromosomes (gnomAD). c.806G>A has been reported in the literature in multiple individuals affected with Leukoencephalopathy With Vanishing White Matter (examples: Zhang_2015, Federico_2006, and Ren_2022). These data indicate that the variant is very likely to be associated with disease. The following publications have been ascertained in the context of this evaluation (PMID: 25761052, 35389136, 16864840). ClinVar contains an entry for this variant (Variation ID: 942204). Based on the evidence outlined above, the variant was classified as pathogenic.

Victorian Clinical Genetics Services, Murdoch Childrens Research Institute
Classification: Pathogenic for Leukoencephalopathy with vanishing white matter 1. Last evaluated: 2021-05-06. Review status: criteria provided, single submitter. Criteria: ACMG Guidelines, 2015. Collection method: clinical testing. Allele origin: germline. Inheritance: Autosomal recessive inheritance. Affected: yes.
Comment: Based on the classification scheme VCGS_Germline_v1.3.4, this variant is classified as Pathogenic. Following criteria are met: 0102 - Loss of function is a known mechanism of disease in this gene and is associated with leukoencephalopathy with vanishing white matter (MIM#603896). (I) 0106 - This gene is associated with autosomal recessive disease. (I) 0200 - Variant is predicted to result in a missense amino acid change from arginine to glutamine. (I) 0251 - This variant is heterozygous. (I) 0304 - Variant is present in gnomAD <0.01 for a recessive condition (1 heterozygote, 0 homozygotes). (SP) 0309 - An alternative amino acid change at the same position has been observed in gnomAD (v2) (1 heterozygotes, 0 homozygotes). (I) 0501 - Missense variant consistently predicted to be damaging by multiple in silico tools or highly conserved with a major amino acid change. (SP) 0604 - Variant is not located in an established domain, motif, hotspot or informative constraint region. (I) 0703 - Other missense variants comparable to the one identified in this case have moderate previous evidence for pathogenicity. Alternative changes to glycine and leucine at this residue have been described in affected patients (PMID:15776425, 15136673). (SP) 0801 - This variant has strong previous evidence of pathogenicity in unrelated individuals. Multiple affected individuals have been reported with this variant in a homozygous or compound heterozygous state (PMID:16864840, 19158808, 25761052, 29933199, 27779215). (SP) 1102 - Strong phenotype match for this individual. (I) Legend: (SP) - Supporting pathogenic, (I) - Information, (SB) - Supporting benign

Institute of Medical Genetics and Applied Genomics, University Hospital Tübingen
Classification: Pathogenic. Last evaluated: 2020-10-23. Review status: criteria provided, single submitter. Criteria: ACMG Guidelines, 2015. Collection method: clinical testing. Allele origin: germline. Inheritance: Unknown mechanism. Affected: yes.

Neuberg Centre For Genomic Medicine, NCGM
Classification: Likely pathogenic for Leukoencephalopathy with vanishing white matter 1. Review status: criteria provided, single submitter. Criteria: ACMG Guidelines, 2015. Collection method: clinical testing. Allele origin: germline. Inheritance: Autosomal recessive inheritance. Affected: yes.
Comment: The EIF2B5 c.806G>A p.Arg269Gln variant has been reported in individuals affected with vanishing white matter disease (Federico A et al, 2006). This variant disrupts the p.Arg269 amino acid residue in EIF2B5. Other variant(s) that disrupt this residue have been observed in individuals with EIF2B5-related conditions (Fogli et al, 2004), which suggests that this may be a clinically significant amino acid residue. This variant is reported with the allele frequency (0.00039%) in the gnomAD and novel in 1000 genome database. It has been submitted to ClinVar with varying interpretations: Pathogenic/ Likely Pathogenic. The amino acid Arg at position 269 is changed to a Gln changing protein sequence and it might alter its composition and physico-chemical properties. The variant is predicted to be damaging by PolyPhen2 and the residue is conserved across species. The amino acid change p.Arg269Gln in EIF2B5 is predicted as conserved by GERP++ and PhyloP across 100 vertebrates. For these reasons, this variant has been classified as Likely Pathogenic.

Literature cited by the submitters: PubMed 25761052 (cited by 3 submitters); PubMed 16864840 (cited by 4 submitters); PubMed 19158808 (cited by Labcorp Genetics (formerly Invitae), Labcorp and Victorian Clinical Genetics Services, Murdoch Childrens Research Institute); PubMed 27779215 (cited by Labcorp Genetics (formerly Invitae), Labcorp and Victorian Clinical Genetics Services, Murdoch Childrens Research Institute); PubMed 29933199 (cited by Labcorp Genetics (formerly Invitae), Labcorp and Victorian Clinical Genetics Services, Murdoch Childrens Research Institute); PubMed 15136673 (cited by Labcorp Genetics (formerly Invitae), Labcorp and Victorian Clinical Genetics Services, Murdoch Childrens Research Institute); PubMed 15776425 (cited by Labcorp Genetics (formerly Invitae), Labcorp and Victorian Clinical Genetics Services, Murdoch Childrens Research Institute); PubMed 35389136 (cited by Women's Health and Genetics/Laboratory Corporation of America, LabCorp); PubMed 11704758 (cited by Victorian Clinical Genetics Services, Murdoch Childrens Research Institute).

NM_003907.3(EIF2B5):c.806G>A (p.Arg269Gln)

Gene: EIF2B5 (eukaryotic translation initiation factor 2B subunit epsilon; plus strand). Cytogenetic location: 3q27.1.
Variant type: single nucleotide variant.
Coding change: c.806G>A on transcript NM_003907.3 (MANE Select); coding-DNA position 806, G replaced by A.
Protein change: p.Arg269Gln; replaces arginine 269 with glutamine.
Molecular consequence: missense variant.
Genome position (GRCh38, 1-based): chr3:184,140,120, G>A. VCF-style: chr3-184140120-G-A. GRCh37 (hg19) VCF-style: chr3-183857908-G-A.
Other names: short protein forms R269Q.
Identifiers: ClinVar variation 942204 (VCV000942204.18), dbSNP rs113994057, ClinGen allele CA88840904.